The following is an entry in ClinVar:

NM_000089.4(COL1A2):c.2842C>A (p.Arg948Ser)

Gene: COL1A2 (collagen type I alpha 2 chain; plus strand). Cytogenetic location: 7q21.3.
Variant type: single nucleotide variant.
Coding change: c.2842C>A on transcript NM_000089.4 (MANE Select); coding-DNA position 2842, C replaced by A.
Protein change: p.Arg948Ser; replaces arginine 948 with serine.
Molecular consequence: missense variant.
Genome position (GRCh38, 1-based): chr7:94,425,756, C>A. VCF-style: chr7-94425756-C-A. GRCh37 (hg19) VCF-style: chr7-94055068-C-A.
Other names: short protein forms R948S.
Identifiers: ClinVar variation 388473 (VCV000388473.19), dbSNP rs779303344, ClinGen allele CA4347580.

ClinVar aggregate classification (germline): Uncertain significance. Review status: criteria provided, multiple submitters, no conflicts (2 of 4 stars). 4 submissions from 4 submitters: Uncertain significance (4). Last evaluated 2026-01-06.

Conditions:
Osteogenesis imperfecta type I (OI1). Also called: Lobstein disease; OI, TYPE I; OSTEOGENESIS IMPERFECTA TARDA; OSTEOGENESIS IMPERFECTA WITH BLUE SCLERAE; Classic Non-deforming Osteogenesis Imperfecta with Blue Sclerae; Osteogenesis imperfecta type 1. Identifiers: Orphanet 216796, Orphanet 666, MedGen C0023931, MONDO:0008146, OMIM 166200. Disease mechanism: loss of function.
Ehlers-Danlos syndrome, classic type, 1 (EDSCL1). Also called: EHLERS-DANLOS SYNDROME, GRAVIS TYPE; EHLERS-DANLOS SYNDROME, SEVERE CLASSIC TYPE; Ehlers-Danlos Syndrome, Classic Type, COL5A1-Related; EDS I; Ehlers-Danlos syndrome, type 1. Identifiers: MedGen C0268335, MONDO:0019567, OMIM 130000.

Allele frequency attached by ClinVar (database versions not stated): TOPMed 0.00002; gnomAD 0.00003.
gnomAD v4.1: 27 of 1,613,488 alleles (0.0017%); highest among the groups gnomAD compares: Non-Finnish European, 0.0021%; no homozygotes.

Submissions (4):

Women's Health and Genetics/Laboratory Corporation of America, LabCorp
Classification: Uncertain significance. Last evaluated: 2026-01-06. Review status: criteria provided, single submitter. Criteria: LabCorp Variant Classification Summary - May 2015. Collection method: clinical testing. Allele origin: germline.
Comment: Variant summary: COL1A2 c.2842C>A (p.Arg948Ser) results in a non-conservative amino acid change in the encoded protein sequence. Algorithms developed to predict the effect of missense changes on protein structure and function all suggest that this variant is likely to be disruptive. The variant allele was found at a frequency of 2.4e-05 in 249246 control chromosomes (gnomAD). The available data on variant occurrences in the general population are insufficient to allow any conclusion about variant significance. c.2842C>A has been reported in the literature in individuals affected with Ehlers-Danlos syndrome, without strong evidence (i.e. segregation data) for causality (e.g. Venable_2023, Wilson_2024). These reports do not provide unequivocal conclusions about association of the variant with Ehlers-Danlos syndrome. To our knowledge, no experimental evidence demonstrating an impact on protein function has been reported. The following publications have been ascertained in the context of this evaluation (PMID: 36896471, 38534782). ClinVar contains an entry for this variant (Variation ID: 388473). Based on the evidence outlined above, the variant was classified as uncertain significance.

Labcorp Genetics (formerly Invitae), Labcorp
Classification: Uncertain significance for Osteogenesis imperfecta type I; Ehlers-Danlos syndrome, classic type, 1. Last evaluated: 2025-01-23. Review status: criteria provided, single submitter. Criteria: Invitae Variant Classification Sherloc (09022015). Collection method: clinical testing. Allele origin: germline.
Comment: This sequence change replaces arginine, which is basic and polar, with serine, which is neutral and polar, at codon 948 of the COL1A2 protein (p.Arg948Ser). This variant is present in population databases (rs779303344, gnomAD 0.006%). This variant has not been reported in the literature in individuals affected with COL1A2-related conditions. ClinVar contains an entry for this variant (Variation ID: 388473). Invitae Evidence Modeling of protein sequence and biophysical properties (such as structural, functional, and spatial information, amino acid conservation, physicochemical variation, residue mobility, and thermodynamic stability) has been performed for this missense variant. However, the output from this modeling did not meet the statistical confidence thresholds required to predict the impact of this variant on COL1A2 protein function. In summary, the available evidence is currently insufficient to determine the role of this variant in disease. Therefore, it has been classified as a Variant of Uncertain Significance.

Revvity Omics, Revvity
Classification: Uncertain significance. Last evaluated: 2022-05-31. Review status: criteria provided, single submitter. Criteria: ACMG Guidelines, 2015. Collection method: clinical testing. Allele origin: germline.

GeneDx
Classification: Uncertain significance. Last evaluated: 2021-01-21. Review status: criteria provided, single submitter. Criteria: GeneDx Variant Classification (06012015). Collection method: clinical testing. Allele origin: germline. Affected: yes.
Comment: In silico analysis supports that this missense variant has a deleterious effect on protein structure/function Has not been previously published as pathogenic or benign to our knowledge Observed in 0.0025% (7/280636 alleles) in large population cohorts, and no individuals are reported as homozygous (Lek et al., 2016)

Literature cited by the submitters: PubMed 36896471 (cited by Women's Health and Genetics/Laboratory Corporation of America, LabCorp); PubMed 38534782 (cited by Women's Health and Genetics/Laboratory Corporation of America, LabCorp).